The following is an entry in ClinVar:

NM_020207.7(ERCC6L2):c.2603A>G (p.Lys868Arg)

Gene: ERCC6L2 (ERCC excision repair 6 like 2; plus strand). Cytogenetic location: 9q22.32.
Variant type: single nucleotide variant.
Coding change: c.2603A>G on transcript NM_020207.7 (MANE Select); coding-DNA position 2603, A replaced by G.
Protein change: p.Lys868Arg; replaces lysine 868 with arginine.
Molecular consequence: missense variant. On other transcripts: non-coding transcript variant (1).
Genome position (GRCh38, 1-based): chr9:95,972,354, A>G. VCF-style: chr9-95972354-A-G. GRCh37 (hg19) VCF-style: chr9-98734636-A-G.
Other names: c.2603A>G, p.Lys868Arg (NM_001375291.1, NM_001375292.1, NM_001375293.1 and 1 more transcripts); short protein forms K868R.
Identifiers: ClinVar variation 1967229 (VCV001967229.2), dbSNP rs1832454225, ClinGen allele CA1865839756.

ClinVar aggregate classification (germline): Uncertain significance (1 of 4 stars; one submission).

Allele frequency attached by ClinVar (database versions not stated): TOPMed below 0.00001.

Submission:

Labcorp Genetics (formerly Invitae), Labcorp
Classification: Uncertain significance. Last evaluated: 2022-07-19. Review status: criteria provided, single submitter. Criteria: Invitae Variant Classification Sherloc (09022015). Collection method: clinical testing. Allele origin: germline.
Comment: This sequence change replaces lysine, which is basic and polar, with arginine, which is basic and polar, at codon 879 of the ERCC6L2 protein (p.Lys879Arg). This variant is not present in population databases (gnomAD no frequency). This variant has not been reported in the literature in individuals affected with ERCC6L2-related conditions. Algorithms developed to predict the effect of missense changes on protein structure and function are either unavailable or do not agree on the potential impact of this missense change (SIFT: "Deleterious"; PolyPhen-2: "Not Available"; Align-GVGD: "Class C0"). In summary, the available evidence is currently insufficient to determine the role of this variant in disease. Therefore, it has been classified as a Variant of Uncertain Significance.